The following is an entry in ClinVar:

ClinVar aggregate classification (germline): Uncertain significance. Review status: criteria provided, multiple submitters, no conflicts (2 of 4 stars). 2 submissions from 2 submitters: Uncertain significance (2). Last evaluated 2023-08-01.

Conditions:
Deficiency of acetyl-CoA acetyltransferase. Also called: Beta-ketothiolase deficiency; MITOCHONDRIAL ACETOACETYL-CoA THIOLASE DEFICIENCY; 3-KETOTHIOLASE DEFICIENCY; 3-OXOTHIOLASE DEFICIENCY. Identifiers: Orphanet 134, MedGen C1536500, MONDO:0008760, OMIM 203750. Disease mechanism: loss of function.

Submissions (2):

CeGaT Center for Human Genetics Tuebingen
Classification: Uncertain significance. Last evaluated: 2023-08-01. Review status: criteria provided, single submitter. Criteria: CeGaT Center For Human Genetics Tuebingen Variant Classification Criteria Version 2. Collection method: clinical testing. Allele origin: germline. Affected: yes. Observed: 1 variant allele.
Comment: ACAT1: PM2, PP3

Centre for Mendelian Genomics, University Medical Centre Ljubljana
Classification: Uncertain significance for Deficiency of acetyl-CoA acetyltransferase. Last evaluated: 2018-10-05. Review status: criteria provided, single submitter. Criteria: ACMG Guidelines, 2015. Collection method: clinical testing. Allele origin: unknown. Affected: yes.
Comment: This variant was classified as: Uncertain significance. The available evidence favors the pathogenic nature of this variant, however the currently available data is insufficient to conclusively support its pathogenic nature. Thus this variant is classified as Uncertain significance - favor pathogenic. The following ACMG criteria were applied in classifying this variant: PM2,PP2,PP3.

NM_000019.4(ACAT1):c.575A>G (p.His192Arg)

Gene: ACAT1 (acetyl-CoA acetyltransferase 1; plus strand). Cytogenetic location: 11q22.3.
Variant type: single nucleotide variant.
Coding change: c.575A>G on transcript NM_000019.4 (MANE Select); coding-DNA position 575, A replaced by G.
Protein change: p.His192Arg; replaces histidine 192 with arginine.
Molecular consequence: missense variant.
Genome position (GRCh38, 1-based): chr11:108,139,037, A>G. VCF-style: chr11-108139037-A-G. GRCh37 (hg19) VCF-style: chr11-108009764-A-G.
Other names: short protein forms H192R.
Identifiers: ClinVar variation 930700 (VCV000930700.27), dbSNP rs2077528154, ClinGen allele CA382507351.
Genomic context (GRCh38, chr11:108,139,037, plus strand): 5'-GGGTAAAGCTTGAAGATTTGATTGTAAAAGACGGGCTAACTGATGTCTACAATAAAATTC[A>G]TATGGTAAATGTGATTTTTAGTGGATAAATGCTATCTAATGTCCAATACTGTTTGATTTT-3'
Protein context (NP_000010.1, residues 182-202): DGLTDVYNKI[His192Arg]MGSCAENTAK